The following is an entry in ClinVar:

NM_006393.3(NEBL):c.1009-97C>T

Gene: NEBL (nebulette; minus strand). Cytogenetic location: 10p12.31.
Variant type: single nucleotide variant.
Coding change: c.1009-97C>T on transcript NM_006393.3 (MANE Select); 97 bases into the intron before coding-DNA position 1009, C replaced by T.
Molecular consequence: intron variant.
Genome position (GRCh38, 1-based): chr10:20,850,599, G>A on the plus strand (C>T on the coding strand, the complement: NEBL is on the minus strand). VCF-style: chr10-20850599-G-A. GRCh37 (hg19) VCF-style: chr10-21139528-G-A.
Other names: c.250-37659C>T (NM_001377326.1, NM_001377327.1, NM_001377328.1); c.358-37659C>T (NM_213569.2, NM_001173484.2, NM_001377322.1); c.301-37659C>T (NM_001377324.1); c.292-37659C>T (NM_001377325.1); c.310-37659C>T (NM_001377323.1).
Identifiers: ClinVar variation 673734 (VCV000673734.1), dbSNP rs10160126, ClinGen allele CA204178898.
Genomic context (GRCh38, chr10:20,850,599, plus strand): 5'-GTCCTTATACAAACAGAGCAAACTAAGAAAAAATATATGTTCTAAACTAGTCATCTTGTT[G>A]TCTAAAATCATATTATTCTGGCCATTTAGGTTGAGCACTGGGTTCCCTTTGGTTAATGAC-3'

ClinVar aggregate classification (germline): Benign (1 of 4 stars; one submission).

Allele frequency attached by ClinVar (database versions not stated): gnomAD 0.03268 and 0.03532; TOPMed 0.03787; 1000 Genomes Project 0.03814; 1000 Genomes Project 30x 0.04029.
gnomAD v4.1: 7,577 of 810,352 alleles (0.94%); highest among the groups gnomAD compares: African/African-American, 11%; 366 homozygotes.

Submission:

GeneDx
Classification: Benign. Last evaluated: 2018-06-14. Review status: criteria provided, single submitter. Criteria: GeneDx Variant Classification (06012015). Collection method: clinical testing. Allele origin: germline. Affected: yes.
Comment: This variant is considered likely benign or benign based on one or more of the following criteria: it is a conservative change, it occurs at a poorly conserved position in the protein, it is predicted to be benign by multiple in silico algorithms, and/or has population frequency not consistent with disease.